The following is an entry in ClinVar:

NM_024334.3(TMEM43):c.1000+5G>T

Gene: TMEM43 (transmembrane protein 43; plus strand). Cytogenetic location: 3p25.1.
Variant type: single nucleotide variant.
Coding change: c.1000+5G>T on transcript NM_024334.3 (MANE Select); 5 bases into the intron after coding-DNA position 1000, G replaced by T.
Molecular consequence: intron variant.
Genome position (GRCh38, 1-based): chr3:14,139,302, G>T. VCF-style: chr3-14139302-G-T. GRCh37 (hg19) VCF-style: chr3-14180802-G-T.
Identifiers: ClinVar variation 46137 (VCV000046137.14), dbSNP rs376589026, ClinGen allele CA024562.

ClinVar aggregate classification (germline): Uncertain significance. Review status: criteria provided, multiple submitters, no conflicts (2 of 4 stars). 6 submissions from 6 submitters: Uncertain significance (6). Last evaluated 2026-09-21.

Conditions:
Cardiovascular phenotype. Identifiers: MedGen CN230736.
Auditory neuropathy, autosomal dominant 3 (AUNA3). Identifiers: MedGen C5676964, MONDO:0859235, OMIM 619832.
Arrhythmogenic right ventricular dysplasia 5. Also called: Arrhythmogenic Right Ventricular Dysplasia/Cardiomyopathy 5; ARRHYTHMOGENIC RIGHT VENTRICULAR DYSPLASIA, FAMILIAL, 5. Identifiers: MedGen C1858379, MONDO:0011459, OMIM 604400.
Emery-Dreifuss muscular dystrophy 7, autosomal dominant (EDMD7). Also called: Emery-Dreifuss muscular dystrophy 7, AD. Identifiers: Orphanet 261, MedGen C3553060, MONDO:0013677, OMIM 614302.

Allele frequency attached by ClinVar (database versions not stated): TOPMed 0.00001; ExAC 0.00001; gnomAD 0.00002; ESP Exome Variant Server 0.00008; gnomAD exomes 0.00002.
gnomAD v4.1: 31 of 1,604,690 alleles (0.0019%); highest among the groups gnomAD compares: Non-Finnish European, 0.0025%; no homozygotes.

Submissions (6):

Molecular Diagnostic Laboratory for Inherited Cardiovascular Disease, Montreal Heart Institute
Classification: Uncertain significance for Cardiovascular phenotype. Last evaluated: 2026-09-21. Review status: criteria provided, single submitter. Criteria: ACMG Guidelines, 2015. Collection method: clinical testing. Allele origin: germline. Affected: yes.
Comment: PVS1_mod, PM2

Labcorp Genetics (formerly Invitae), Labcorp
Classification: Uncertain significance for Arrhythmogenic right ventricular dysplasia 5. Last evaluated: 2025-11-18. Review status: criteria provided, single submitter. Criteria: Invitae Variant Classification Sherloc (09022015). Collection method: clinical testing. Allele origin: germline.
Comment: This sequence change falls in intron 11 of the TMEM43 gene. It does not directly change the encoded amino acid sequence of the TMEM43 protein. It affects a nucleotide within the consensus splice site. This variant is not present in population databases (gnomAD no frequency). This variant has not been reported in the literature in individuals affected with TMEM43-related conditions. ClinVar contains an entry for this variant (Variation ID: 46137). Variants that disrupt the consensus splice site are a relatively common cause of aberrant splicing (PMID: 17576681, 9536098). Algorithms developed to predict the effect of sequence changes on RNA splicing suggest that this variant may disrupt the consensus splice site. In summary, the available evidence is currently insufficient to determine the role of this variant in disease. Therefore, it has been classified as a Variant of Uncertain Significance.

Women's Health and Genetics/Laboratory Corporation of America, LabCorp
Classification: Uncertain significance. Last evaluated: 2023-08-23. Review status: criteria provided, single submitter. Criteria: LabCorp Variant Classification Summary - May 2015. Collection method: clinical testing. Allele origin: germline.
Comment: Variant summary: TMEM43 c.1000+5G>T alters a conserved nucleotide located close to a canonical splice site and therefore could affect mRNA splicing, leading to a significantly altered protein sequence. Several computational tools predict a significant impact on normal splicing: Two predict the variant abolishes a canonical 5' splicing donor site and two predict the variant weakens the same canonical 5' donor site. However, these predictions have yet to be confirmed by functional studies. The variant was absent in 251322 control chromosomes (gnomAD). The available data on variant occurrences in the general population are insufficient to allow any conclusion about variant significance. To our knowledge, no occurrence of c.1000+5G>T in individuals affected with Arrhythmogenic Right Ventricular Dysplasia/Cardiomyopathy and no experimental evidence demonstrating its impact on protein function have been reported. Two ClinVar submitters have assessed the variant since 2014, both submitters classified the variant as uncertain significance. Based on the evidence outlined above, the variant was classified as uncertain significance.

Victorian Clinical Genetics Services, Murdoch Childrens Research Institute
Classification: Uncertain significance for Arrhythmogenic right ventricular dysplasia 5. Last evaluated: 2023-07-16. Review status: criteria provided, single submitter. Criteria: ACMG Guidelines, 2015. Collection method: clinical testing. Allele origin: germline. Inheritance: Autosomal dominant inheritance. Affected: yes.
Comment: Based on the classification scheme VCGS_Germline_v1.3.4, this variant is classified as VUS-3B. Following criteria are met: 0105 - The mechanism of disease for this gene is not clearly established (PMIDs: 25343256, 36076925). (I) 0107 - This gene is associated with autosomal dominant disease. (I) 0212 - Non-canonical splice site variant without proven consequence on splicing (no functional evidence available). (SP) 0251 - This variant is heterozygous. (I) 0302 - Variant is present in gnomAD (v3) <0.001 for a dominant condition (3 heterozygotes, 0 homozygotes). (SP) 0508 - In silico predictions for abnormal splicing are conflicting. (I) 0705 - No comparable splice site variants have previous evidence for pathogenicity. (I) 0809 - Previous evidence of pathogenicity for this variant is inconclusive. It has been reported as a VUS by two clinical testing laboratories in three unrelated individuals, including one with supraventricular tachycardia and one with hypertrophic cardiomyopathy (ClinVar, personal communication). (I) 0905 - No published segregation evidence has been identified for this variant. (I) 1007 - No published functional evidence has been identified for this variant. (I) 1208 - Inheritance information for this variant is not currently available in this individual. (I) Legend: (SP) - Supporting pathogenic, (I) - Information, (SB) - Supporting benign

Fulgent Genetics
Classification: Uncertain significance for Arrhythmogenic right ventricular dysplasia 5; Emery-Dreifuss muscular dystrophy 7, autosomal dominant; Auditory neuropathy, autosomal dominant 3. Last evaluated: 2021-10-26. Review status: criteria provided, single submitter. Criteria: ACMG Guidelines, 2015. Collection method: clinical testing. Allele origin: unknown.

Laboratory for Molecular Medicine, Mass General Brigham Personalized Medicine
Classification: Uncertain significance. Last evaluated: 2013-01-13. Review status: criteria provided, single submitter. Criteria: LMM Criteria. Collection method: clinical testing. Allele origin: germline. Observed: 2 variant alleles.
Comment: In addition, this variant has been identified in 1/4406 African American chromosomes from a b road population by the NHLBI Exome Sequencing Project (. edu/EVS/). This variant is located in the 5' splice region. Computational tools suggest a possible impact to splicing, though this information is not predictive enough to determine pathogenicity. Additional information is needed to fully as sess the clinical significance of the 1000+5G>T variant.

Literature cited by the submitters: PubMed 17576681 (cited by Labcorp Genetics (formerly Invitae), Labcorp); PubMed 9536098 (cited by Labcorp Genetics (formerly Invitae), Labcorp); PubMed 25343256 (cited by Victorian Clinical Genetics Services, Murdoch Childrens Research Institute); PubMed 36076925 (cited by Victorian Clinical Genetics Services, Murdoch Childrens Research Institute).